The following is an entry in ClinVar:

NM_022114.4(PRDM16):c.2334G>C (p.Lys778Asn)

Gene: PRDM16 (PR/SET domain 16; plus strand). Cytogenetic location: 1p36.32.
Variant type: single nucleotide variant.
Coding change: c.2334G>C on transcript NM_022114.4 (MANE Select); coding-DNA position 2334, G replaced by C.
Protein change: p.Lys778Asn; replaces lysine 778 with asparagine.
Molecular consequence: missense variant.
Genome position (GRCh38, 1-based): chr1:3,412,531, G>C. VCF-style: chr1-3412531-G-C. GRCh37 (hg19) VCF-style: chr1-3329095-G-C.
Other names: c.2334G>C, p.Lys778Asn (NM_199454.3); short protein forms K778N.
Identifiers: ClinVar variation 644152 (VCV000644152.8), dbSNP rs1569732620, ClinGen allele CA338000160.

ClinVar aggregate classification (germline): Uncertain significance (1 of 4 stars; one submission).

Conditions:
Left ventricular noncompaction 8 (LVNC8). Identifiers: Orphanet 154, Orphanet 54260, MedGen C3809288, MONDO:0014152, OMIM 615373.

Submission:

Labcorp Genetics (formerly Invitae), Labcorp
Classification: Uncertain significance for Left ventricular noncompaction 8. Last evaluated: 2018-12-07. Review status: criteria provided, single submitter. Criteria: Invitae Variant Classification Sherloc (09022015). Collection method: clinical testing. Allele origin: germline.
Comment: In summary, the available evidence is currently insufficient to determine the role of this variant in disease. Therefore, it has been classified as a Variant of Uncertain Significance. Algorithms developed to predict the effect of missense changes on protein structure and function (SIFT, PolyPhen-2, Align-GVGD) all suggest that this variant is likely to be disruptive, but these predictions have not been confirmed by published functional studies and their clinical significance is uncertain. This variant has not been reported in the literature in individuals with PRDM16-related conditions. This variant is not present in population databases (ExAC no frequency). This sequence change replaces lysine with asparagine at codon 778 of the PRDM16 protein (p.Lys778Asn). The lysine residue is highly conserved and there is a moderate physicochemical difference between lysine and asparagine.